The following is an entry in ClinVar:

ClinVar aggregate classification (germline): Likely benign (0 of 4 stars; one submission).

Conditions:
MEGF8-related disorder. Also called: MEGF8-related condition.

Allele frequency attached by ClinVar (database versions not stated): gnomAD exomes below 0.00001; ExAC 0.00001; gnomAD 0.00002; TOPMed 0.00002; ESP Exome Variant Server 0.00008.
gnomAD v4.1: 10 of 1,599,306 alleles (0.00063%); highest among the groups gnomAD compares: African/African-American, 0.0067%; no homozygotes.

Submission:

PreventionGenetics, part of Exact Sciences
Classification: Likely benign for MEGF8-related condition. Last evaluated: 2019-04-25. Review status: no assertion criteria provided. Collection method: clinical testing. Allele origin: germline.
Comment: This variant is classified as likely benign based on ACMG/AMP sequence variant interpretation guidelines (Richards et al. 2015 PMID: 25741868, with internal and published modifications).

NM_001271938.2(MEGF8):c.1860C>T (p.Ser620=)

Gene: MEGF8 (multiple EGF like domains 8; plus strand). Cytogenetic location: 19q13.2.
Variant type: single nucleotide variant.
Coding change: c.1860C>T on transcript NM_001271938.2 (MANE Select); coding-DNA position 1860, C replaced by T.
Protein change: p.Ser620=; no amino-acid change (serine 620 retained).
Molecular consequence: synonymous variant.
Genome position (GRCh38, 1-based): chr19:42,344,512, C>T. VCF-style: chr19-42344512-C-T. GRCh37 (hg19) VCF-style: chr19-42848664-C-T.
Other names: c.1860C>T, p.Ser620= (NM_001410.3).
Identifiers: ClinVar variation 3046452 (VCV003046452.2), dbSNP rs149246261, ClinGen allele CA9474580.